The following is an entry in ClinVar:

ClinVar aggregate classification (germline): Uncertain significance (1 of 4 stars; one submission).

Conditions:
Gastrointestinal stromal tumor. Also called: Gastrointestinal stroma tumor; Gastrointestinal stromal tumor, somatic. Identifiers: Orphanet 44890, MedGen C0238198, MeSH D046152, MONDO:0011719, OMIM 606764, HP:0100723.

Submission:

Labcorp Genetics (formerly Invitae), Labcorp
Classification: Uncertain significance for Gastrointestinal stromal tumor. Last evaluated: 2021-06-08. Review status: criteria provided, single submitter. Criteria: Invitae Variant Classification Sherloc (09022015). Collection method: clinical testing. Allele origin: germline.
Comment: In summary, the available evidence is currently insufficient to determine the role of this variant in disease. Therefore, it has been classified as a Variant of Uncertain Significance. Algorithms developed to predict the effect of missense changes on protein structure and function (SIFT, PolyPhen-2, Align-GVGD) all suggest that this variant is likely to be disruptive, but these predictions have not been confirmed by published functional studies and their clinical significance is uncertain. This variant has not been reported in the literature in individuals with KIT-related conditions. This variant is not present in population databases (ExAC no frequency). This sequence change replaces leucine with valine at codon 667 of the KIT protein (p.Leu667Val). The leucine residue is highly conserved and there is a small physicochemical difference between leucine and valine.

NM_000222.3(KIT):c.1999C>G (p.Leu667Val)

Gene: KIT (KIT proto-oncogene, receptor tyrosine kinase; plus strand). Cytogenetic location: 4q12.
Variant type: single nucleotide variant.
Coding change: c.1999C>G on transcript NM_000222.3 (MANE Select); coding-DNA position 1999, C replaced by G.
Protein change: p.Leu667Val; replaces leucine 667 with valine.
Molecular consequence: missense variant.
Genome position (GRCh38, 1-based): chr4:54,729,343, C>G. VCF-style: chr4-54729343-C-G. GRCh37 (hg19) VCF-style: chr4-55595509-C-G.
Other names: c.1987C>G, p.Leu663Val (NM_001093772.2, NM_001385286.1); c.2002C>G, p.Leu668Val (NM_001385284.1, NM_001385290.1); c.1999C>G, p.Leu667Val (NM_001385285.1); c.1990C>G, p.Leu664Val (NM_001385288.1, NM_001385292.1); short protein forms L664V, L668V, L667V, L663V.
Identifiers: ClinVar variation 1365548 (VCV001365548.8), dbSNP rs760685128, ClinGen allele CA356909157.